The following is an entry in ClinVar:

NM_000038.6(APC):c.4597A>T (p.Asn1533Tyr)

Gene: APC (APC regulator of Wnt signaling pathway; plus strand). Cytogenetic location: 5q22.2.
Variant type: single nucleotide variant.
Coding change: c.4597A>T on transcript NM_000038.6 (MANE Select); coding-DNA position 4597, A replaced by T.
Protein change: p.Asn1533Tyr; replaces asparagine 1533 with tyrosine.
Molecular consequence: missense variant.
Genome position (GRCh38, 1-based): chr5:112,840,191, A>T. VCF-style: chr5-112840191-A-T. GRCh37 (hg19) VCF-style: chr5-112175888-A-T.
Other names: c.4597A>T, p.Asn1533Tyr (NM_001127510.3, NM_001354895.2); c.4543A>T, p.Asn1515Tyr (NM_001127511.3); c.4651A>T, p.Asn1551Tyr (NM_001354896.2); c.4627A>T, p.Asn1543Tyr (NM_001354897.2); c.4522A>T, p.Asn1508Tyr (NM_001354898.2); c.4513A>T, p.Asn1505Tyr (NM_001354899.2); c.4474A>T, p.Asn1492Tyr (NM_001354900.2); c.4420A>T, p.Asn1474Tyr (NM_001354901.2); and 5 more; short protein forms N1505Y, N1250Y, N1407Y, N1432Y, N1508Y, N1515Y, N1533Y, N1543Y.
Identifiers: ClinVar variation 942788 (VCV000942788.11), dbSNP rs730881226, ClinGen allele CA16031400.
Genomic context (GRCh38, chr5:112,840,191, plus strand): 5'-GAGCCATTTATACAGAAAGATGTGGAATTAAGAATAATGCCTCCAGTTCAGGAAAATGAC[A>T]ATGGGAATGAAACAGAATCAGAGCAGCCTAAAGAATCAAATGAAAACCAAGAGAAAGAGG-3'
Protein context (NP_000029.2, residues 1523-1543): RIMPPVQEND[Asn1533Tyr]GNETESEQPK

ClinVar aggregate classification (germline): Uncertain significance (1 of 4 stars; one submission).

Conditions:
Familial adenomatous polyposis 1 (FAP1). Also called: POLYPOSIS, ADENOMATOUS INTESTINAL; FAMILIAL ADENOMATOUS POLYPOSIS 1, ATTENUATED. Identifiers: MedGen C2713442, MONDO:0021056, OMIM 175100. Disease mechanism: loss of function.

Submission:

Labcorp Genetics (formerly Invitae), Labcorp
Classification: Uncertain significance for Familial adenomatous polyposis 1. Last evaluated: 2019-09-28. Review status: criteria provided, single submitter. Criteria: Invitae Variant Classification Sherloc (09022015). Collection method: clinical testing. Allele origin: germline.
Comment: This sequence change replaces asparagine with tyrosine at codon 1533 of the APC protein (p.Asn1533Tyr). The asparagine residue is moderately conserved and there is a large physicochemical difference between asparagine and tyrosine. This variant is not present in population databases (ExAC no frequency). This variant has not been reported in the literature in individuals with APC-related conditions. Algorithms developed to predict the effect of missense changes on protein structure and function (SIFT, PolyPhen-2, Align-GVGD) all suggest that this variant is likely to be tolerated, but these predictions have not been confirmed by published functional studies and their clinical significance is uncertain. In summary, the available evidence is currently insufficient to determine the role of this variant in disease. Therefore, it has been classified as a Variant of Uncertain Significance.